The following is an entry in ClinVar:

NM_025114.4(CEP290):c.5483A>G (p.Lys1828Arg)

Gene: CEP290 (centrosomal protein 290; minus strand). Cytogenetic location: 12q21.32.
Variant type: single nucleotide variant.
Coding change: c.5483A>G on transcript NM_025114.4 (MANE Select); coding-DNA position 5483, A replaced by G.
Protein change: p.Lys1828Arg; replaces lysine 1828 with arginine.
Molecular consequence: missense variant.
Genome position (GRCh38, 1-based): chr12:88,077,800, T>C on the plus strand (A>G on the coding strand, the complement: CEP290 is on the minus strand). VCF-style: chr12-88077800-T-C. GRCh37 (hg19) VCF-style: chr12-88471577-T-C.
Other names: c.5483A>G (NM_025114.3); short protein forms K1828R.
Identifiers: ClinVar variation 2151522 (VCV002151522.2), dbSNP rs2035892171, ClinGen allele CA385988465.

ClinVar aggregate classification (germline): Uncertain significance. Review status: criteria provided, single submitter (1 of 4 stars). 2 submissions from 2 submitters: Uncertain significance (1). 1 of the submissions does not count toward it. Last evaluated 2022-04-29.

Conditions:
CEP290-related disorder. Also called: CEP290-related condition; CEP290-related disorders. Identifiers: MedGen CN239314.
Joubert syndrome. Also called: CEREBELLOPARENCHYMAL DISORDER IV; JOUBERT-BOLTSHAUSER SYNDROME; Familial aplasia of the vermis. Identifiers: Orphanet 475, MedGen C5979921, MONDO:0018772.
Nephronophthisis. Also called: Juvenile Nephronophthisis. Identifiers: Orphanet 655, MedGen C0687120, MONDO:0019005, HP:0000090.
Meckel-Gruber syndrome. Also called: DYSENCEPHALIA SPLANCHNOCYSTICA; GRUBER SYNDROME; Dysencephalia splachnocystica. Identifiers: Orphanet 564, MedGen C0265215, MONDO:0018921.

Allele frequency attached by ClinVar (database versions not stated): gnomAD exomes below 0.00001; TOPMed below 0.00001.
gnomAD v4.1: 1 of 1,561,012 alleles (0.000064%); highest among the groups gnomAD compares: Non-Finnish European, 0.000087%; no homozygotes.

Submissions (2):

Labcorp Genetics (formerly Invitae), Labcorp
Classification: Uncertain significance for Joubert syndrome; Meckel-Gruber syndrome; Nephronophthisis. Last evaluated: 2022-04-29. Review status: criteria provided, single submitter. Criteria: Invitae Variant Classification Sherloc (09022015). Collection method: clinical testing. Allele origin: germline.
Comment: This sequence change replaces lysine, which is basic and polar, with arginine, which is basic and polar, at codon 1828 of the CEP290 protein (p.Lys1828Arg). This variant is not present in population databases (gnomAD no frequency). This variant has not been reported in the literature in individuals affected with CEP290-related conditions. Algorithms developed to predict the effect of missense changes on protein structure and function output the following: SIFT: "Tolerated"; PolyPhen-2: "Benign"; Align-GVGD: "Class C0". The arginine amino acid residue is found in multiple mammalian species, which suggests that this missense change does not adversely affect protein function. In summary, the available evidence is currently insufficient to determine the role of this variant in disease. Therefore, it has been classified as a Variant of Uncertain Significance.

PreventionGenetics, part of Exact Sciences
Classification: Uncertain significance for CEP290-related condition. Last evaluated: 2024-03-27. Review status: no assertion criteria provided. Collection method: clinical testing. Allele origin: germline. Not counted in ClinVar's aggregate classification.
Comment: The CEP290 c.5483A>G variant is predicted to result in the amino acid substitution p.Lys1828Arg. To our knowledge, this variant has not been reported in the literature or in a large population database, indicating this variant is rare. At this time, the clinical significance of this variant is uncertain due to the absence of conclusive functional and genetic evidence.